The following is an entry in ClinVar:

NM_007078.3(LDB3):c.859+47G>C

Gene: LDB3 (LIM domain binding 3; plus strand). Cytogenetic location: 10q23.2.
Variant type: single nucleotide variant.
Coding change: c.859+47G>C on transcript NM_007078.3 (MANE Select); 47 bases into the intron after coding-DNA position 859, G replaced by C.
Molecular consequence: intron variant.
Genome position (GRCh38, 1-based): chr10:86,692,112, G>C. VCF-style: chr10-86692112-G-C. GRCh37 (hg19) VCF-style: chr10-88451869-G-C.
Other names: c.859+47G>C (NM_001368064.1, NM_001368063.1, NM_001368065.1 and 1 more transcripts); c.718+47G>C (NM_001368068.1, NM_001368066.1, NM_001080114.2 and 2 more transcripts); c.1063+47G>C (NM_001171610.2, NM_001171611.2).
Identifiers: ClinVar variation 257338 (VCV000257338.5), dbSNP rs3740346, ClinGen allele CA5584915.

ClinVar aggregate classification (germline): Benign. Review status: criteria provided, multiple submitters, no conflicts (2 of 4 stars). 4 submissions from 4 submitters: Benign (3). 1 of the submissions does not count toward it. Last evaluated 2018-06-18.

Conditions:
Dilated cardiomyopathy 1C (CMD1C). Also called: CARDIOMYOPATHY, DILATED, 1C, WITH OR WITHOUT LEFT VENTRICULAR NONCOMPACTION; Cardiomyopathy, dilated, 1C, with or without LVNC. Identifiers: Orphanet 154, Orphanet 54260, MedGen C1832244, MONDO:0011094, OMIM 601493.

Allele frequency attached by ClinVar (database versions not stated): gnomAD 0.13647 and 0.14426; ExAC 0.18471; gnomAD exomes 0.19225; ESP Exome Variant Server 0.10712; TOPMed 0.14681; 1000 Genomes Project 30x 0.23267; 1000 Genomes Project 0.24121.
gnomAD v4.1: 226,925 of 1,605,672 alleles (14%); highest among the groups gnomAD compares: East Asian, 62%; 22,751 homozygotes.

Submissions (4):

GeneDx
Classification: Benign. Last evaluated: 2018-06-18. Review status: criteria provided, single submitter. Criteria: GeneDx Variant Classification (06012015). Collection method: clinical testing. Allele origin: germline. Affected: yes.
Comment: This variant is considered likely benign or benign based on one or more of the following criteria: it is a conservative change, it occurs at a poorly conserved position in the protein, it is predicted to be benign by multiple in silico algorithms, and/or has population frequency not consistent with disease.

Breakthrough Genomics
Classification: Benign. Review status: criteria provided, single submitter. Criteria: ACMG Guidelines, 2015. Collection method: not provided. Allele origin: germline. Inheritance: Autosomal dominant inheritance. Affected: yes.

PreventionGenetics, part of Exact Sciences
Classification: Benign. Review status: criteria provided, single submitter. Criteria: ACMG Guidelines, 2015. Collection method: clinical testing. Allele origin: germline.

Cytogenetics- Mohapatra Lab, Banaras Hindu University
Classification: Uncertain significance for Dilated cardiomyopathy 1C. Last evaluated: 2014-08-19. Review status: no assertion criteria provided. Collection method: case-control. Allele origin: unknown. Affected: yes. Observed: 13 variant alleles. Not counted in ClinVar's aggregate classification.